The following is an entry in ClinVar:

NM_001182.5(ALDH7A1):c.773+130A>G

Gene: ALDH7A1 (aldehyde dehydrogenase 7 family member A1; minus strand). Cytogenetic location: 5q23.2.
Variant type: single nucleotide variant.
Coding change: c.773+130A>G on transcript NM_001182.5 (MANE Select); 130 bases into the intron after coding-DNA position 773, A replaced by G.
Molecular consequence: intron variant.
Genome position (GRCh38, 1-based): chr5:126,570,652, T>C on the plus strand (A>G on the coding strand, the complement: ALDH7A1 is on the minus strand). VCF-style: chr5-126570652-T-C. GRCh37 (hg19) VCF-style: chr5-125906344-T-C.
Other names: c.773+130A>G (NM_001202404.2); c.689+130A>G (NM_001201377.2).
Identifiers: ClinVar variation 677970 (VCV000677970.1), dbSNP rs6897789, ClinGen allele CA12074066.

ClinVar aggregate classification (germline): Benign (1 of 4 stars; one submission).

Allele frequency attached by ClinVar (database versions not stated): gnomAD exomes 0.08908; gnomAD 0.17167 and 0.17830; TOPMed 0.18786; 1000 Genomes Project 0.19708; 1000 Genomes Project 30x 0.20222.
gnomAD v4.1: 93,266 of 899,818 alleles (10%); highest among the groups gnomAD compares: African/African-American, 40%; 8,141 homozygotes.

Submission:

GeneDx
Classification: Benign. Last evaluated: 2018-06-18. Review status: criteria provided, single submitter. Criteria: GeneDx Variant Classification (06012015). Collection method: clinical testing. Allele origin: germline. Affected: yes.
Comment: This variant is considered likely benign or benign based on one or more of the following criteria: it is a conservative change, it occurs at a poorly conserved position in the protein, it is predicted to be benign by multiple in silico algorithms, and/or has population frequency not consistent with disease.